The following is an entry in ClinVar:

NM_003072.5(SMARCA4):c.1645C>T (p.Arg549Cys)

Gene: SMARCA4 (SWI/SNF related BAF chromatin remodeling complex subunit ATPase 4; plus strand). Cytogenetic location: 19p13.2.
Variant type: single nucleotide variant.
Coding change: c.1645C>T on transcript NM_003072.5 (MANE Select); coding-DNA position 1645, C replaced by T.
Protein change: p.Arg549Cys; replaces arginine 549 with cysteine.
Molecular consequence: missense variant. On other transcripts: non-coding transcript variant (1).
Genome position (GRCh38, 1-based): chr19:10,996,264, C>T. VCF-style: chr19-10996264-C-T. GRCh37 (hg19) VCF-style: chr19-11106940-C-T.
Other names: c.1645C>T, p.Arg549Cys (NM_001128844.3, NM_001128845.2, NM_001128846.2 and 4 more transcripts); c.1645C>T (NM_001387283.1); short protein forms R549C.
Identifiers: ClinVar variation 1020994 (VCV001020994.18), dbSNP rs2087030906, ClinGen allele CA404064330.

ClinVar aggregate classification (germline): Conflicting classifications of pathogenicity. Review status: criteria provided, conflicting classifications (1 of 4 stars). 5 submissions from 5 submitters: Pathogenic (4); Uncertain significance (1). Last evaluated 2026-02-05.

Conditions:
Rhabdoid tumor predisposition syndrome 2 (RTPS2). Identifiers: Orphanet 231108, Orphanet 69077, MedGen C2750074, MONDO:0013224, OMIM 613325.
Hereditary cancer-predisposing syndrome. Also called: Hereditary Cancer Syndrome; Neoplastic Syndromes, Hereditary; Tumor predisposition; Hereditary neoplastic syndrome. Identifiers: Orphanet 140162, MedGen C0027672, MeSH D009386, MONDO:0015356.
Intellectual disability, autosomal dominant 16 (CSS4). Also called: COFFIN-SIRIS SYNDROME 4. Identifiers: Orphanet 1465, MedGen C3553249, MONDO:0013821, OMIM 614609.

Submissions (5):

Ambry Genetics
Classification: Pathogenic for Hereditary cancer-predisposing syndrome. Last evaluated: 2026-02-05. Review status: criteria provided, single submitter. Criteria: Ambry Variant Classification Scheme 2023. Collection method: clinical testing. Allele origin: germline.
Comment: The p.R549C pathogenic mutation (also known as c.1645C>T), located in coding exon 9 of the SMARCA4 gene, results from a C to T substitution at nucleotide position 1645. The arginine at codon 549 is replaced by cysteine, an amino acid with highly dissimilar properties. This variant was reported in individuals with features consistent with Coffin-Siris syndrome; in at least one individual, it was determined to be de novo (Reijnders MRF et al. Nat Commun. 2017 Oct;8(1):1052; external communication). This missense variant is located in a region that has a low rate of benign missense variation (Lek M et al. Nature. 2016 Aug 18;536(7616):285-91; DECIPHER: Database of Chromosomal Imbalance and Phenotype in Humans using Ensembl Resources. Firth H.V. et al. 2009. Am.J.Hum.Genet. 84, 524-533 (DOI). This amino acid position is highly conserved in available vertebrate species. In addition, this alteration is predicted to be deleterious by in silico analysis. Missense and in-frame variants in SMARCA4 are known to cause neurodevelopmental disorders; however, such associations with rhabdoid tumor predisposition syndrome including small cell carcinoma of the ovary-hypercalcemic type (SCCOHT) are exceedingly rare (Kosho T et al. Am J Med Genet C Semin Med Genet. 2014 Sep;166C(3):262-75; Jelinic P et al. Nat Genet. 2014 May;46(5):424-6). This variant is considered to be rare based on population cohorts in the Genome Aggregation Database (gnomAD). Based on the supporting evidence, this variant is pathogenic for Coffin-Siris syndrome; however, the association of this variant with rhabdoid tumor predisposition syndrome is unlikely.

Institute of Human Genetics, University of Leipzig Medical Center
Classification: Pathogenic for Intellectual disability, autosomal dominant 16. Last evaluated: 2025-06-26. Review status: criteria provided, single submitter. Criteria: ACMG Guidelines, 2015. Collection method: clinical testing. Allele origin: unknown. Inheritance: Autosomal dominant inheritance. Affected: yes.
Comment: Criteria applied: PS2_MOD,PS4_MOD,PM2,PM5,PP2,PP3

GeneDx
Classification: Pathogenic. Last evaluated: 2025-03-01. Review status: criteria provided, single submitter. Criteria: GeneDx Variant Classification Process June 2021. Collection method: clinical testing. Allele origin: germline. Affected: yes.
Comment: Reported de novo in a patient with a developmental disorder from a large cohort study, but detailed clinical information was not provided (PMID: 33057194); In silico analysis supports that this missense variant has a deleterious effect on protein structure/function; Not observed at significant frequency in large population cohorts (gnomAD); This variant is associated with the following publications: (PMID: 26743474, 37500730, 35982159, 33057194)

Labcorp Genetics (formerly Invitae), Labcorp
Classification: Pathogenic for Rhabdoid tumor predisposition syndrome 2. Last evaluated: 2023-08-04. Review status: criteria provided, single submitter. Criteria: Invitae Variant Classification Sherloc (09022015). Collection method: clinical testing. Allele origin: germline.
Comment: This variant is not present in population databases (gnomAD no frequency). This sequence change replaces arginine, which is basic and polar, with cysteine, which is neutral and slightly polar, at codon 549 of the SMARCA4 protein (p.Arg549Cys). This missense change has been observed in individual(s) with clinical features of Coffin-Siris syndrome (Invitae). In at least one individual the variant was observed to be de novo. For these reasons, this variant has been classified as Pathogenic. Advanced modeling of protein sequence and biophysical properties (such as structural, functional, and spatial information, amino acid conservation, physicochemical variation, residue mobility, and thermodynamic stability) performed at Invitae indicates that this missense variant is expected to disrupt SMARCA4 protein function. ClinVar contains an entry for this variant (Variation ID: 1020994).

Genome-Nilou Lab
Classification: Uncertain significance for Intellectual disability, autosomal dominant 16. Last evaluated: 2021-07-15. Review status: criteria provided, single submitter. Criteria: ACMG Guidelines, 2015. Collection method: clinical testing. Allele origin: germline. Affected: no.

Literature cited by the submitters: PubMed 29051493 (cited by Ambry Genetics).